The following is an entry in ClinVar:

ClinVar aggregate classification (germline): Uncertain significance. Review status: criteria provided, multiple submitters, no conflicts (2 of 4 stars). 2 submissions from 2 submitters: Uncertain significance (2). Last evaluated 2022-07-19.

Allele frequency attached by ClinVar (database versions not stated): gnomAD 0.00001; TOPMed 0.00001; ExAC 0.00002; gnomAD exomes 0.00004 and 0.00005.
gnomAD v4.1: 81 of 1,613,518 alleles (0.005%); highest among the groups gnomAD compares: Non-Finnish European, 0.0066%; no homozygotes.

Submissions (2):

Labcorp Genetics (formerly Invitae), Labcorp
Classification: Uncertain significance. Last evaluated: 2022-07-19. Review status: criteria provided, single submitter. Criteria: Invitae Variant Classification Sherloc (09022015). Collection method: clinical testing. Allele origin: germline.
Comment: This sequence change replaces phenylalanine, which is neutral and non-polar, with tyrosine, which is neutral and polar, at codon 213 of the ABCA4 protein (p.Phe213Tyr). This variant is present in population databases (rs751029989, gnomAD 0.009%). This variant has not been reported in the literature in individuals affected with ABCA4-related conditions. ClinVar contains an entry for this variant (Variation ID: 842321). Algorithms developed to predict the effect of missense changes on protein structure and function are either unavailable or do not agree on the potential impact of this missense change (SIFT: "Deleterious"; PolyPhen-2: "Probably Damaging"; Align-GVGD: "Class C15"). In summary, the available evidence is currently insufficient to determine the role of this variant in disease. Therefore, it has been classified as a Variant of Uncertain Significance.

Blueprint Genetics
Classification: Uncertain significance. Last evaluated: 2018-05-15. Review status: criteria provided, single submitter. Criteria: ACMG Guidelines, 2015. Collection method: clinical testing. Allele origin: germline.

NM_000350.3(ABCA4):c.638T>A (p.Phe213Tyr)

Gene: ABCA4 (ATP binding cassette subfamily A member 4; minus strand). Cytogenetic location: 1p22.1.
Variant type: single nucleotide variant.
Coding change: c.638T>A on transcript NM_000350.3 (MANE Select); coding-DNA position 638, T replaced by A.
Protein change: p.Phe213Tyr; replaces phenylalanine 213 with tyrosine.
Molecular consequence: missense variant.
Genome position (GRCh38, 1-based): chr1:94,098,924, A>T on the plus strand (T>A on the coding strand, the complement: ABCA4 is on the minus strand). VCF-style: chr1-94098924-A-T. GRCh37 (hg19) VCF-style: chr1-94564480-A-T.
Other names: c.638T>A, p.Phe213Tyr (NM_001425324.1); short protein forms F213Y.
Identifiers: ClinVar variation 842321 (VCV000842321.6), dbSNP rs751029989, ClinGen allele CA958781.
Genomic context (GRCh38, chr1:94,098,924, plus strand): 5'-GAGAGGGAGCACAGGGCATAGCGCACCGTCTTTGCCCCGCGTCTCTGGCTGAAGATGATG[A>T]AGCGCTCCAGGAGGGCCTCGCTGCAGGCGATGTCCTTCAGCGCCAGGTCCGGGACTCCAT-3'
Protein context (NP_000341.2, residues 203-223): IACSEALLER[Phe213Tyr]IIFSQRRGAK